The following is an entry in ClinVar:

NM_152564.5(VPS13B):c.10199C>T (p.Pro3400Leu)

Gene: VPS13B (vacuolar protein sorting 13 homolog B; plus strand). Cytogenetic location: 8q22.2.
Variant type: single nucleotide variant.
Coding change: c.10199C>T on transcript NM_152564.5 (MANE Select); coding-DNA position 10199, C replaced by T.
Protein change: p.Pro3400Leu; replaces proline 3400 with leucine.
Molecular consequence: missense variant.
Genome position (GRCh38, 1-based): chr8:99,853,588, C>T. VCF-style: chr8-99853588-C-T. GRCh37 (hg19) VCF-style: chr8-100865816-C-T.
Other names: c.10274C>T, p.Pro3425Leu (NM_017890.5); c.10199C>T (NM_152564.4); short protein forms P3400L, P3425L.
Identifiers: ClinVar variation 130719 (VCV000130719.12), dbSNP rs368041601, ClinGen allele CA231629.

ClinVar aggregate classification (germline): Uncertain significance. Review status: criteria provided, multiple submitters, no conflicts (2 of 4 stars). 5 submissions from 5 submitters: Uncertain significance (5). Last evaluated 2026-02-09.

Conditions:
VPS13B-related disorder. Also called: VPS13B-related condition.
Cohen syndrome (COH1). Also called: PEPPER SYNDROME; Cutis verticis gyrata, retinitis pigmentosa, and sensorineural deafness. Identifiers: Orphanet 193, MedGen C0265223, MONDO:0008999, OMIM 216550.

Allele frequency attached by ClinVar (database versions not stated): gnomAD 0.00001; gnomAD exomes 0.00003; ExAC 0.00005; ESP Exome Variant Server 0.00008.
gnomAD v4.1: 29 of 1,614,016 alleles (0.0018%); highest among the groups gnomAD compares: Admixed American, 0.0033%; no homozygotes.

Submissions (5):

PreventionGenetics, part of Exact Sciences
Classification: Uncertain significance for VPS13B-related condition. Last evaluated: 2026-02-09. Review status: criteria provided, single submitter. Criteria: ACMG Guidelines, 2015. Collection method: clinical testing. Allele origin: germline.
Comment: The VPS13B c.10199C>T variant is predicted to result in the amino acid substitution p.Pro3400Leu. To our knowledge, this variant has not been reported in the literature. This variant is reported in 0.0046% of alleles in individuals of European (Finnish) descent in gnomAD. At this time, the clinical significance of this variant is uncertain due to the absence of conclusive functional and genetic evidence.

Blueprint Genetics
Classification: Uncertain significance. Last evaluated: 2022-11-24. Review status: criteria provided, single submitter. Criteria: ACMG Guidelines, 2015. Collection method: clinical testing. Allele origin: germline.

Labcorp Genetics (formerly Invitae), Labcorp
Classification: Uncertain significance for Cohen syndrome. Last evaluated: 2022-05-29. Review status: criteria provided, single submitter. Criteria: Invitae Variant Classification Sherloc (09022015). Collection method: clinical testing. Allele origin: germline.
Comment: This sequence change replaces proline, which is neutral and non-polar, with leucine, which is neutral and non-polar, at codon 3425 of the VPS13B protein (p.Pro3425Leu). This variant is present in population databases (rs368041601, gnomAD 0.005%). This variant has not been reported in the literature in individuals affected with VPS13B-related conditions. ClinVar contains an entry for this variant (Variation ID: 130719). Algorithms developed to predict the effect of missense changes on protein structure and function are either unavailable or do not agree on the potential impact of this missense change (SIFT: "Not Available"; PolyPhen-2: "Possibly Damaging"; Align-GVGD: "Not Available"). In summary, the available evidence is currently insufficient to determine the role of this variant in disease. Therefore, it has been classified as a Variant of Uncertain Significance.

Illumina Laboratory Services, Illumina
Classification: Uncertain significance for Cohen syndrome. Last evaluated: 2018-01-15. Review status: criteria provided, single submitter. Criteria: ICSL Variant Classification Criteria 13 December 2019. Collection method: clinical testing. Allele origin: germline.

Genetic Services Laboratory, University of Chicago
Classification: Uncertain significance. Last evaluated: 2014-03-18. Review status: criteria provided, single submitter. Criteria: ACMG Guidelines, 2007. Collection method: clinical testing. Allele origin: germline. Inheritance: Autosomal recessive inheritance.